The following is an entry in ClinVar:

ClinVar aggregate classification (germline): Uncertain significance (1 of 4 stars; one submission).

Conditions:
Orthostatic hypotension 1 (ORTHYP1). Also called: NORADRENALINE DEFICIENCY; NOREPINEPHRINE DEFICIENCY; Dopamine beta-hydroxylase deficiency; Orthostatic hypotension 1, due to DBH deficiency. Identifiers: Orphanet 230, MedGen C4746777, MONDO:0009123, OMIM 223360.

Submission:

Labcorp Genetics (formerly Invitae), Labcorp
Classification: Uncertain significance for Orthostatic hypotension 1. Last evaluated: 2020-05-20. Review status: criteria provided, single submitter. Criteria: Invitae Variant Classification Sherloc (09022015). Collection method: clinical testing. Allele origin: germline.
Comment: This sequence change replaces histidine with arginine at codon 263 of the DBH protein (p.His263Arg). The histidine residue is highly conserved and there is a small physicochemical difference between histidine and arginine. This variant is not present in population databases (ExAC no frequency). This variant has not been reported in the literature in individuals with DBH-related conditions. Algorithms developed to predict the effect of missense changes on protein structure and function (SIFT, PolyPhen-2, Align-GVGD) all suggest that this variant is likely to be disruptive, but these predictions have not been confirmed by published functional studies and their clinical significance is uncertain. In summary, the available evidence is currently insufficient to determine the role of this variant in disease. Therefore, it has been classified as a Variant of Uncertain Significance.

NM_000787.4(DBH):c.788A>G (p.His263Arg)

Gene: DBH (dopamine beta-hydroxylase; plus strand). Cytogenetic location: 9q34.2.
Variant type: single nucleotide variant.
Coding change: c.788A>G on transcript NM_000787.4 (MANE Select); coding-DNA position 788, A replaced by G.
Protein change: p.His263Arg; replaces histidine 263 with arginine.
Molecular consequence: missense variant.
Genome position (GRCh38, 1-based): chr9:133,643,456, A>G. VCF-style: chr9-133643456-A-G. GRCh37 (hg19) VCF-style: chr9-136508578-A-G.
Other names: short protein forms H263R.
Identifiers: ClinVar variation 1060933 (VCV001060933.9), dbSNP rs2131285655, ClinGen allele CA375413972.
Genomic context (GRCh38, chr9:133,643,456, plus strand): 5'-GGGCTGCCTCCTCACAGTACGAGCCCATCGTCACCAAGGGCAATGAGGCCCTTGTCCACC[A>G]CATGGAAGTCTTCCAGTGCGCCCCCGAGATGGACAGCGTCCCCCACTTCAGCGGGCCCTG-3'
Protein context (NP_000778.3, residues 253-273): VTKGNEALVH[His263Arg]MEVFQCAPEM